The following is an entry in ClinVar:

NM_015450.3(POT1):c.1364T>C (p.Ile455Thr)

Gene: POT1 (protection of telomeres 1; minus strand). Cytogenetic location: 7q31.33.
Variant type: single nucleotide variant.
Coding change: c.1364T>C on transcript NM_015450.3 (MANE Select); coding-DNA position 1364, T replaced by C.
Protein change: p.Ile455Thr; replaces isoleucine 455 with threonine.
Molecular consequence: missense variant. On other transcripts: non-coding transcript variant (3).
Genome position (GRCh38, 1-based): chr7:124,840,978, A>G on the plus strand (T>C on the coding strand, the complement: POT1 is on the minus strand). VCF-style: chr7-124840978-A-G. GRCh37 (hg19) VCF-style: chr7-124481032-A-G.
Other names: c.971T>C, p.Ile324Thr (NM_001042594.2); short protein forms I455T, I324T.
Identifiers: ClinVar variation 1770907 (VCV001770907.8), dbSNP rs2116461013, ClinGen allele CA369066582.
Genomic context (GRCh38, chr7:124,840,978, plus strand): 5'-TAGGAAAAATATGCAAAAGGAGTATTCTAACAAAACAGTGACTTAAATATCTTACCTTCT[A>G]TCAAAAGTAGACATTCATTTGAAAGCGGGAGAATACCATTATTTTTCACAAAATGAACTG-3'
Protein context (NP_056265.2, residues 445-465): LPLSNECLLL[Ile455Thr]EGGTLSEICK

ClinVar aggregate classification (germline): Uncertain significance. Review status: criteria provided, multiple submitters, no conflicts (2 of 4 stars). 2 submissions from 2 submitters: Uncertain significance (2). Last evaluated 2025-08-11.

Conditions:
Tumor predisposition syndrome 3 (TPDS3). Also called: Melanoma, cutaneous malignant, susceptibility to, 10; Glioma susceptibility 9; LONG TELOMERE SYNDROME, POT1-RELATED; POT1 Tumor Predisposition. Identifiers: Orphanet 618, MedGen C4014476, MONDO:0014368, OMIM 615848.
Hereditary cancer-predisposing syndrome. Also called: Hereditary Cancer Syndrome; Hereditary neoplastic syndrome; Neoplastic Syndromes, Hereditary; Tumor predisposition. Identifiers: Orphanet 140162, MedGen C0027672, MeSH D009386, MONDO:0015356.

Submissions (2):

Labcorp Genetics (formerly Invitae), Labcorp
Classification: Uncertain significance for Tumor predisposition syndrome 3. Last evaluated: 2025-08-11. Review status: criteria provided, single submitter. Criteria: Invitae Variant Classification Sherloc (09022015). Collection method: clinical testing. Allele origin: germline.
Comment: This sequence change replaces isoleucine, which is neutral and non-polar, with threonine, which is neutral and polar, at codon 455 of the POT1 protein (p.Ile455Thr). This variant is not present in population databases (gnomAD no frequency). This variant has not been reported in the literature in individuals affected with POT1-related conditions. ClinVar contains an entry for this variant (Variation ID: 1770907). Invitae Evidence Modeling of protein sequence and biophysical properties (such as structural, functional, and spatial information, amino acid conservation, physicochemical variation, residue mobility, and thermodynamic stability) indicates that this missense variant is not expected to disrupt POT1 protein function with a negative predictive value of 80%. In summary, the available evidence is currently insufficient to determine the role of this variant in disease. Therefore, it has been classified as a Variant of Uncertain Significance.

Ambry Genetics
Classification: Uncertain significance for Hereditary cancer-predisposing syndrome. Last evaluated: 2025-05-05. Review status: criteria provided, single submitter. Criteria: Ambry Variant Classification Scheme 2023. Collection method: clinical testing. Allele origin: germline.
Comment: The p.I455T variant (also known as c.1364T>C), located in coding exon 10 of the POT1 gene, results from a T to C substitution at nucleotide position 1364. The isoleucine at codon 455 is replaced by threonine, an amino acid with similar properties. This amino acid position is well conserved in available vertebrate species. In addition, the in silico prediction for this alteration is inconclusive. Since supporting evidence is limited at this time, the clinical significance of this alteration remains unclear.